The following is an entry in ClinVar:

ClinVar aggregate classification (germline): Uncertain significance (1 of 4 stars; one submission).

Conditions:
EGFR-related lung cancer (EGFR). Identifiers: MedGen CN130014.

Submission:

Labcorp Genetics (formerly Invitae), Labcorp
Classification: Uncertain significance for EGFR-related lung cancer. Last evaluated: 2023-10-28. Review status: criteria provided, single submitter. Criteria: Invitae Variant Classification Sherloc (09022015). Collection method: clinical testing. Allele origin: germline.
Comment: This sequence change replaces methionine, which is neutral and non-polar, with leucine, which is neutral and non-polar, at codon 268 of the EGFR protein (p.Met268Leu). This variant is not present in population databases (gnomAD no frequency). This variant has not been reported in the literature in individuals affected with EGFR-related conditions. Advanced modeling of protein sequence and biophysical properties (such as structural, functional, and spatial information, amino acid conservation, physicochemical variation, residue mobility, and thermodynamic stability) performed at Invitae indicates that this missense variant is not expected to disrupt EGFR protein function with a negative predictive value of 80%. In summary, the available evidence is currently insufficient to determine the role of this variant in disease. Therefore, it has been classified as a Variant of Uncertain Significance.

NM_005228.5(EGFR):c.802A>C (p.Met268Leu)

Gene: EGFR (epidermal growth factor receptor; plus strand). Cytogenetic location: 7p11.2.
Variant type: single nucleotide variant.
Coding change: c.802A>C on transcript NM_005228.5 (MANE Select); coding-DNA position 802, A replaced by C.
Protein change: p.Met268Leu; replaces methionine 268 with leucine.
Molecular consequence: missense variant. On other transcripts: intron variant (1).
Genome position (GRCh38, 1-based): chr7:55,154,065, A>C. VCF-style: chr7-55154065-A-C. GRCh37 (hg19) VCF-style: chr7-55221758-A-C.
Other names: c.667A>C, p.Met223Leu (NM_001346897.2, NM_001346899.2); c.802A>C, p.Met268Leu (NM_001346898.2, NM_201282.2, NM_201283.2 and 1 more transcripts); c.643A>C, p.Met215Leu (NM_001346900.2); c.89-1765A>C (NM_001346941.2); short protein forms M223L, M268L, M215L.
Identifiers: ClinVar variation 2805253 (VCV002805253.3), dbSNP rs2128934965, ClinGen allele CA367577700.